The following is an entry in ClinVar:

NM_014583.4(LMCD1):c.354C>T (p.Tyr118=)

Gene: LMCD1 (LIM and cysteine rich domains 1; plus strand). Cytogenetic location: 3p25.3.
Variant type: single nucleotide variant.
Coding change: c.354C>T on transcript NM_014583.4 (MANE Select); coding-DNA position 354, C replaced by T.
Protein change: p.Tyr118=; no amino-acid change (tyrosine 118 retained).
Molecular consequence: synonymous variant. On other transcripts: intron variant (1).
Genome position (GRCh38, 1-based): chr3:8,537,407, C>T. VCF-style: chr3-8537407-C-T. GRCh37 (hg19) VCF-style: chr3-8579093-C-T.
Other names: c.135C>T, p.Tyr45= (NM_001278233.2); c.354C>T, p.Tyr118= (NM_001278235.2); c.51+4582C>T (NM_001278234.2).
Identifiers: ClinVar variation 2653466 (VCV002653466.24), dbSNP rs139605755, ClinGen allele CA2235405.

ClinVar aggregate classification (germline): Likely benign (1 of 4 stars; one submission).

Allele frequency attached by ClinVar (database versions not stated): 1000 Genomes Project 30x 0.00312; gnomAD 0.00617; TOPMed 0.00619; ExAC 0.00729; ESP Exome Variant Server 0.00815; gnomAD exomes 0.00917; 1000 Genomes Project 0.00280.
gnomAD v4.1: 14,172 of 1,606,354 alleles (0.88%); highest among the groups gnomAD compares: Non-Finnish European, 1%; 82 homozygotes.

Submission:

CeGaT Center for Human Genetics Tuebingen
Classification: Likely benign. Last evaluated: 2023-01-01. Review status: criteria provided, single submitter. Criteria: CeGaT Center For Human Genetics Tuebingen Variant Classification Criteria Version 2. Collection method: clinical testing. Allele origin: germline. Affected: yes. Observed: 1 variant allele.
Comment: LMCD1: BP4, BP7, BS2